The following is an entry in ClinVar:

ClinVar aggregate classification (germline): Conflicting classifications of pathogenicity. Review status: criteria provided, conflicting classifications (1 of 4 stars). 3 submissions from 3 submitters: Uncertain significance (2); Likely benign (1). Last evaluated 2025-09-27.

Conditions:
Pilarowski-Bjornsson syndrome. Also called: DEVELOPMENTAL DELAY AND SPEECH APRAXIA WITH OR WITHOUT SEIZURES. Identifiers: Orphanet 529965, MedGen C4540131, MONDO:0060568, OMIM 617682.

Allele frequency attached by ClinVar (database versions not stated): gnomAD 0.00004; ExAC 0.00011.
gnomAD v4.1: 135 of 1,557,624 alleles (0.0087%); highest among the groups gnomAD compares: Non-Finnish European, 0.011%; no homozygotes.

Submissions (3):

Ambry Genetics
Classification: Uncertain significance. Last evaluated: 2025-09-27. Review status: criteria provided, single submitter. Criteria: Ambry Variant Classification Scheme 2023. Collection method: clinical testing. Allele origin: germline.

CeGaT Center for Human Genetics Tuebingen
Classification: Likely benign. Last evaluated: 2023-03-01. Review status: criteria provided, single submitter. Criteria: CeGaT Center For Human Genetics Tuebingen Variant Classification Criteria Version 2. Collection method: clinical testing. Allele origin: germline. Affected: yes. Observed: 1 variant allele.
Comment: CHD1: PP2, PP3, BS2

Pittsburgh Clinical Genomics Laboratory, University of Pittsburgh Medical Center
Classification: Uncertain significance for Pilarowski-Bjornsson syndrome. Last evaluated: 2023-01-23. Review status: criteria provided, single submitter. Criteria: ACMG Guidelines, 2015. Collection method: clinical testing. Allele origin: germline. Inheritance: Autosomal dominant inheritance. Affected: yes.
Comment: This sequence variant is a single nucleotide substitution (T>G) at coding position 2896 of the CHD1 gene that results in a serine to alanine amino acid change at residue 966 of the CHD1 protein. This variant has not been previously reported in databases of clinically annotated variants or reported in the literature in individuals with CHD1-related illness, to our knowledge. This variant is present in the gnomAD population database (13 of 226336 alleles or 0.0057%). Bioinformatic tools predict that this variant would be tolerated, although the Ser966 residue is well conserved across the vertebrate species examined. Functiol studies testing the effect of this variant on protein structure or activity have not been performed, to our knowledge. At this time, there is insufficient evidence to determine if this variant is pathogenic or benign. Therefore, we consider this to be a variant of uncertain significance. ACMG Criteria: BP4, PM2

NM_001270.4(CHD1):c.2896T>G (p.Ser966Ala)

Gene: CHD1 (chromodomain helicase DNA binding protein 1; minus strand). Cytogenetic location: 5q15.
Variant type: single nucleotide variant.
Coding change: c.2896T>G on transcript NM_001270.4 (MANE Select); coding-DNA position 2896, T replaced by G.
Protein change: p.Ser966Ala; replaces serine 966 with alanine.
Molecular consequence: missense variant. On other transcripts: non-coding transcript variant (2).
Genome position (GRCh38, 1-based): chr5:98,881,347, A>C on the plus strand (T>G on the coding strand, the complement: CHD1 is on the minus strand). VCF-style: chr5-98881347-A-C. GRCh37 (hg19) VCF-style: chr5-98217051-A-C.
Other names: c.2896T>G, p.Ser966Ala (NM_001364113.3, NM_001376194.2); c.2896T>G (NM_001270.2); short protein forms S966A.
Identifiers: ClinVar variation 2655615 (VCV002655615.25), dbSNP rs199740650, ClinGen allele CA3356072.